The following is an entry in ClinVar:

NM_145290.4(ADGRA3):c.2300C>T (p.Ala767Val)

Gene: ADGRA3 (adhesion G protein-coupled receptor A3; minus strand). Cytogenetic location: 4p15.2.
Variant type: single nucleotide variant.
Coding change: c.2300C>T on transcript NM_145290.4 (MANE Select); coding-DNA position 2300, C replaced by T.
Protein change: p.Ala767Val; replaces alanine 767 with valine.
Molecular consequence: missense variant.
Genome position (GRCh38, 1-based): chr4:22,402,732, G>A on the plus strand (C>T on the coding strand, the complement: ADGRA3 is on the minus strand). VCF-style: chr4-22402732-G-A. GRCh37 (hg19) VCF-style: chr4-22404355-G-A.
Other names: short protein forms A767V.
Identifiers: ClinVar variation 3667797 (VCV003667797.2).

ClinVar aggregate classification (germline): Uncertain significance (1 of 4 stars; one submission).

Submission:

Labcorp Genetics (formerly Invitae), Labcorp
Classification: Uncertain significance. Last evaluated: 2025-02-25. Review status: criteria provided, single submitter. Criteria: Invitae Variant Classification Sherloc (09022015). Collection method: clinical testing. Allele origin: germline.
Comment: This sequence change replaces alanine, which is neutral and non-polar, with valine, which is neutral and non-polar, at codon 767 of the ADGRA3 protein (p.Ala767Val). This variant is not present in population databases (gnomAD no frequency). This variant has not been reported in the literature in individuals affected with ADGRA3-related conditions. An algorithm developed to predict the effect of missense changes on protein structure and function (PolyPhen-2) suggests that this variant is likely to be disruptive. In summary, the available evidence is currently insufficient to determine the role of this variant in disease. Therefore, it has been classified as a Variant of Uncertain Significance.